The following is an entry in ClinVar:

ClinVar aggregate classification (germline): Likely benign (1 of 4 stars; one submission).

gnomAD v4.1: 10 of 1,614,080 alleles (0.00062%); highest among the groups gnomAD compares: South Asian, 0.0077%; no homozygotes.

Submission:

CeGaT Center for Human Genetics Tuebingen
Classification: Likely benign. Last evaluated: 2026-07-01. Review status: criteria provided, single submitter. Criteria: CeGaT Center For Human Genetics Tuebingen Variant Classification Criteria Version 2. Collection method: clinical testing. Allele origin: germline. Affected: yes. Observed: 1 variant allele.
Comment: NGF: BP4, BP7

NM_002506.3(NGF):c.501C>T (p.Asn167=)

Genes: NGF (nerve growth factor; minus strand), NGF-AS1 (NGF antisense RNA 1; plus strand). Cytogenetic location: 1p13.2.
Variant type: single nucleotide variant.
Coding change: c.501C>T on transcript NM_002506.3 (MANE Select); coding-DNA position 501, C replaced by T.
Protein change: p.Asn167=; no amino-acid change (asparagine 167 retained).
Molecular consequence: synonymous variant.
Genome position (GRCh38, 1-based): chr1:115,286,295, G>A on the plus strand (C>T on the coding strand, the complement: NGF is on the minus strand). VCF-style: chr1-115286295-G-A. GRCh37 (hg19) VCF-style: chr1-115828916-G-A.
Other names: c.501C>T, p.Asn167= (NM_001437545.1).
Identifiers: ClinVar variation 5038738 (VCV005038738.1).